The following is an entry in ClinVar:

NM_138272.3(MPIG6B):c.558C>T (p.Thr186=)

Gene: MPIG6B (megakaryocyte and platelet inhibitory receptor G6b; plus strand). Cytogenetic location: 6p21.33.
Variant type: single nucleotide variant.
Coding change: c.558C>T on transcript NM_138272.3 (MANE Select); coding-DNA position 558, C replaced by T.
Protein change: p.Thr186=; no amino-acid change (threonine 186 retained).
Molecular consequence: synonymous variant. On other transcripts: nonsense (3).
Genome position (GRCh38, 1-based): chr6:31,724,781, C>T. VCF-style: chr6-31724781-C-T. GRCh37 (hg19) VCF-style: chr6-31692558-C-T.
Other names: c.577C>T, p.Arg193Ter (NM_025260.4, NM_138277.3); c.486C>T, p.Thr162= (NM_138273.3); c.445C>T, p.Arg149Ter (NM_138274.3); c.426C>T, p.Thr142= (NM_138275.3); short protein forms R193*, R149*.
Identifiers: ClinVar variation 1705533 (VCV001705533.2), dbSNP rs34741956, ClinGen allele CA3720423.
Genomic context (GRCh38, chr6:31,724,781, plus strand): 5'-TGGTCACCTTCTCTCCATCCTTCAGCTCTGTCCCCCCCACATAGCTCCACTTGTGAAAAC[C>T]GAGCCCCAGAGGCCAGTAAAGGAGGAAGAGCCCAAGATTCCAGGGGACCTGGACCAGGAA-3'
Protein context (NP_612116.1, residues 176-196): PLPRFAPLVK[Thr186=]EPQRPVKEEE

ClinVar aggregate classification (germline): Likely pathogenic. Review status: criteria provided, multiple submitters, no conflicts (2 of 4 stars). 2 submissions from 2 submitters: Likely pathogenic (2). Last evaluated 2024-10-08.

Conditions:
C6ORF25 & MPIG6B-related disorders.
Thrombocytopenia, anemia, and myelofibrosis (THAMY). Identifiers: MedGen C4479504, MONDO:0044316, OMIM 617441.

Allele frequency attached by ClinVar (database versions not stated): ExAC 0.00028; ESP Exome Variant Server 0.00085; TOPMed 0.00091; gnomAD 0.00103; 1000 Genomes Project 0.00160; 1000 Genomes Project 30x 0.00234.
gnomAD v4.1: 409 of 1,614,042 alleles (0.025%); highest among the groups gnomAD compares: African/African-American, 0.39%; 1 homozygote.

Submissions (2):

Blueprint Genetics
Classification: Likely pathogenic for C6ORF25 & MPIG6B-related disorders. Last evaluated: 2024-10-08. Review status: criteria provided, single submitter. Criteria: ACMG Guidelines, 2015. Collection method: clinical testing. Allele origin: germline. Affected: yes. Observed: 5 variant alleles.

3billion
Classification: Likely pathogenic for Thrombocytopenia, anemia, and myelofibrosis. Last evaluated: 2022-09-01. Review status: criteria provided, single submitter. Criteria: ACMG Guidelines, 2015. Collection method: clinical testing. Allele origin: germline. Affected: yes. Observed: 1 heterozygote.
Comment: The variant is observed at an extremely low frequency in the gnomAD v2.1.1 dataset (total allele frequency: 0.035%). Stop-gained (nonsense) is predicted to result in a loss or disruption of normal protein function through nonsense-mediated decay (NMD) or protein truncation. Therefore, this variant is classified as Likely pathogenic according to the recommendation of ACMG/AMP guideline.